The following is an entry in ClinVar:

NM_001365999.1(SZT2):c.10240C>T (p.His3414Tyr)

Gene: SZT2 (SZT2 subunit of KICSTOR complex; plus strand). Cytogenetic location: 1p34.2.
Variant type: single nucleotide variant.
Coding change: c.10240C>T on transcript NM_001365999.1 (MANE Select); coding-DNA position 10240, C replaced by T.
Protein change: p.His3414Tyr; replaces histidine 3414 with tyrosine.
Molecular consequence: missense variant.
Genome position (GRCh38, 1-based): chr1:43,450,421, C>T. VCF-style: chr1-43450421-C-T. GRCh37 (hg19) VCF-style: chr1-43916092-C-T.
Other names: c.10069C>T (NM_015284.3); c.10069C>T, p.His3357Tyr (NM_015284.4); short protein forms H3357Y, H3414Y.
Identifiers: ClinVar variation 1056097 (VCV001056097.9), dbSNP rs776584929, ClinGen allele CA811135.

ClinVar aggregate classification (germline): Uncertain significance. Review status: criteria provided, multiple submitters, no conflicts (2 of 4 stars). 3 submissions from 3 submitters: Uncertain significance (3). Last evaluated 2024-12-12.

Conditions:
Inborn genetic diseases. Identifiers: MedGen C0950123, MeSH D030342.

Allele frequency attached by ClinVar (database versions not stated): TOPMed 0.00001; gnomAD exomes 0.00002; ExAC 0.00003.
gnomAD v4.1: 25 of 1,614,118 alleles (0.0015%); highest among the groups gnomAD compares: Non-Finnish European, 0.002%; no homozygotes.

Submissions (3):

Ambry Genetics
Classification: Uncertain significance for Inborn genetic diseases. Last evaluated: 2024-12-12. Review status: criteria provided, single submitter. Criteria: Ambry Variant Classification Scheme 2023. Collection method: clinical testing. Allele origin: germline.

Labcorp Genetics (formerly Invitae), Labcorp
Classification: Uncertain significance. Last evaluated: 2022-11-22. Review status: criteria provided, single submitter. Criteria: Invitae Variant Classification Sherloc (09022015). Collection method: clinical testing. Allele origin: germline.
Comment: In summary, the available evidence is currently insufficient to determine the role of this variant in disease. Therefore, it has been classified as a Variant of Uncertain Significance. Advanced modeling of protein sequence and biophysical properties (such as structural, functional, and spatial information, amino acid conservation, physicochemical variation, residue mobility, and thermodynamic stability) performed at Invitae indicates that this missense variant is not expected to disrupt SZT2 protein function. ClinVar contains an entry for this variant (Variation ID: 1056097). This variant has not been reported in the literature in individuals affected with SZT2-related conditions. This variant is present in population databases (rs776584929, gnomAD 0.005%). This sequence change replaces histidine, which is basic and polar, with tyrosine, which is neutral and polar, at codon 3357 of the SZT2 protein (p.His3357Tyr).

Blueprint Genetics
Classification: Uncertain significance. Last evaluated: 2022-03-17. Review status: criteria provided, single submitter. Criteria: ACMG Guidelines, 2015. Collection method: clinical testing. Allele origin: germline.